The following is an entry in ClinVar:

ClinVar aggregate classification (germline): Uncertain significance (1 of 4 stars; one submission).

Conditions:
Intellectual developmental disorder, autosomal dominant 43. Also called: Intellectual disability, autosomal dominant 43. Identifiers: MedGen C4707429, MONDO:0014858, OMIM 616977.

gnomAD v4.1: 2 of 1,592,252 alleles (0.00013%); highest among the groups gnomAD compares: South Asian, 0.0011%; no homozygotes.

Submission:

Neuberg Centre For Genomic Medicine, NCGM
Classification: Uncertain significance for Intellectual developmental disorder, autosomal dominant 43. Last evaluated: 2023-05-20. Review status: criteria provided, single submitter. Criteria: ACMG Guidelines, 2015. Collection method: clinical testing. Allele origin: germline. Inheritance: Autosomal dominant inheritance. Affected: yes.
Comment: The observed missense c.5637G>T (p.Leu1879Phe) variant in HIVEP2 gene has not been reported previously as a pathogenic variant nor as a benign variant, to our knowledge. The p.Leu1879Phe variant is present with allele frequency of 0.0004% in gnomAD Exomes. This variant has not been submitted to the ClinVar database. The amino acid change p.Leu1879Phe in HIVEP2 is predicted as conserved by GERP++ and PhyloP across 100 vertebrates. The amino acid Leu at position 1879 is changed to a Phe changing protein sequence and it might alter its composition and physico-chemical properties. Computational evidence (Polyphen - Possibly Damaging, SIFT - Tolerated and MutationTaster - Disease Causing) predicts conflicting evidence on protein structure and function for this variant. For these reasons, this variant has been classified as a Variant of Uncertain Significance (VUS).

NM_006734.4(HIVEP2):c.5637G>T (p.Leu1879Phe)

Gene: HIVEP2 (HIVEP zinc finger 2; minus strand). Cytogenetic location: 6q24.2.
Variant type: single nucleotide variant.
Coding change: c.5637G>T on transcript NM_006734.4 (MANE Select); coding-DNA position 5637, G replaced by T.
Protein change: p.Leu1879Phe; replaces leucine 1879 with phenylalanine.
Molecular consequence: missense variant.
Genome position (GRCh38, 1-based): chr6:142,760,651, C>A on the plus strand (G>T on the coding strand, the complement: HIVEP2 is on the minus strand). VCF-style: chr6-142760651-C-A. GRCh37 (hg19) VCF-style: chr6-143081788-C-A.
Other names: short protein forms L1879F.
Identifiers: ClinVar variation 3341468 (VCV003341468.1).